The following is an entry in ClinVar:

ClinVar aggregate classification (germline): Benign. Review status: criteria provided, multiple submitters, no conflicts (2 of 4 stars). 4 submissions from 4 submitters: Benign (4). Last evaluated 2026-02-02.

Conditions:
Fraser syndrome 1 (FRASRS1). Also called: CRYPTOPHTHALMOS WITH OTHER MALFORMATIONS. Identifiers: Orphanet 2052, MedGen C4551480, MONDO:0054737, OMIM 219000.

Allele frequency attached by ClinVar (database versions not stated): gnomAD exomes 0.00365; ExAC 0.00444; TOPMed 0.01431; ESP Exome Variant Server 0.01451; gnomAD 0.01491; 1000 Genomes Project 0.01577; 1000 Genomes Project 30x 0.01796.
gnomAD v4.1: 4,329 of 1,613,836 alleles (0.27%); highest among the groups gnomAD compares: African/African-American, 4.7%; 100 homozygotes.

Submissions (4):

Labcorp Genetics (formerly Invitae), Labcorp
Classification: Benign. Last evaluated: 2026-02-02. Review status: criteria provided, single submitter. Criteria: Invitae Variant Classification Sherloc (09022015). Collection method: clinical testing. Allele origin: germline.

Mayo Clinic Laboratories, Mayo Clinic
Classification: Benign. Last evaluated: 2025-06-20. Review status: criteria provided, single submitter. Criteria: ACMG Guidelines, 2015. Collection method: clinical testing. Allele origin: germline. Observed: 1 variant allele.
Comment: BS1, BS2

Illumina Laboratory Services, Illumina
Classification: Benign for Fraser syndrome 1. Last evaluated: 2018-01-12. Review status: criteria provided, single submitter. Criteria: ICSL Variant Classification Criteria 13 December 2019. Collection method: clinical testing. Allele origin: germline.
Comment: This variant was observed in the ICSL laboratory as part of a predisposition screen in an ostensibly healthy population. It had not been previously curated by ICSL or reported in the Human Gene Mutation Database (HGMD: prior to June 1st, 2018), and was therefore a candidate for classification through an automated scoring system. Utilizing variant allele frequency, disease prevalence and penetrance estimates, and inheritance mode, an automated score was calculated to assess if this variant is too frequent to cause the disease. Based on the score and internal cut-off values, a variant classified as benign is not then subjected to further curation. The score for this variant resulted in a classification of benign for this disease.

Breakthrough Genomics
Classification: Benign. Review status: criteria provided, single submitter. Criteria: ACMG Guidelines, 2015. Collection method: not provided. Allele origin: germline. Inheritance: Autosomal recessive inheritance. Affected: yes.

NM_025074.7(FRAS1):c.1286C>A (p.Ser429Tyr)

Gene: FRAS1 (Fraser extracellular matrix complex subunit 1; plus strand). Cytogenetic location: 4q21.21.
Variant type: single nucleotide variant.
Coding change: c.1286C>A on transcript NM_025074.7 (MANE Select); coding-DNA position 1286, C replaced by A.
Protein change: p.Ser429Tyr; replaces serine 429 with tyrosine.
Molecular consequence: missense variant.
Genome position (GRCh38, 1-based): chr4:78,284,435, C>A. VCF-style: chr4-78284435-C-A. GRCh37 (hg19) VCF-style: chr4-79205589-C-A.
Other names: p.Ser429Tyr; c.1286C>A, p.Ser429Tyr (NM_001166133.2); short protein forms S429Y.
Identifiers: ClinVar variation 349676 (VCV000349676.16), dbSNP rs6838959, ClinGen allele CA2976248.